The following is an entry in ClinVar:

NM_138694.4(PKHD1):c.10910G>A (p.Arg3637His)

Gene: PKHD1 (PKHD1 ciliary IPT domain containing fibrocystin/polyductin; minus strand). Cytogenetic location: 6p12.3.
Variant type: single nucleotide variant.
Coding change: c.10910G>A on transcript NM_138694.4 (MANE Select); coding-DNA position 10910, G replaced by A.
Protein change: p.Arg3637His; replaces arginine 3637 with histidine.
Molecular consequence: missense variant.
Genome position (GRCh38, 1-based): chr6:51,659,216, C>T on the plus strand (G>A on the coding strand, the complement: PKHD1 is on the minus strand). VCF-style: chr6-51659216-C-T. GRCh37 (hg19) VCF-style: chr6-51524014-C-T.
Other names: short protein forms R3637H.
Identifiers: ClinVar variation 502771 (VCV000502771.29), dbSNP rs371329493, ClinGen allele CA3850991.
Genomic context (GRCh38, chr6:51,659,216, plus strand): 5'-GTTTCCACAGTCATTGGGGGTGAAGCCCTATGTGAGTTCATTTCCATCATGAGAGGCCTA[C>T]GTTGACCAACTCTTCTATAATGACTAGTGCAAGTCACAGTAGGGCAATTGCGCTTTCTTT-3'
Protein context (NP_619639.3, residues 3627-3647): CTSHYRRVGQ[Arg3637His]RPLMMEMNSH

ClinVar aggregate classification (germline): Conflicting classifications of pathogenicity. Review status: criteria provided, conflicting classifications (1 of 4 stars). 7 submissions from 7 submitters: Uncertain significance (5); Likely benign (2). Last evaluated 2026-01-19.

Conditions:
Inborn genetic diseases. Identifiers: MedGen C0950123, MeSH D030342.
Autosomal recessive polycystic kidney disease (ARPKD). Also called: AR polycystic kidney disease. Identifiers: Orphanet 731, Orphanet 8378, MedGen C0085548, MeSH D017044, MONDO:0009889.
Polycystic kidney disease 4 (PKD4). Also called: PKD3; Autosomal Recessive Polycystic Kidney Disease – PKHD1; POLYCYSTIC KIDNEY DISEASE 4 WITH OR WITHOUT POLYCYSTIC LIVER DISEASE; POLYCYSTIC KIDNEY AND HEPATIC DISEASE 1; POLYCYSTIC KIDNEY DISEASE, INFANTILE, TYPE I. Identifiers: MedGen C4540575, MONDO:0033004, OMIM 263200.

Allele frequency attached by ClinVar (database versions not stated): ExAC 0.00007; gnomAD 0.00009 and 0.00011; gnomAD exomes 0.00009 and 0.00013; TOPMed 0.00012; ESP Exome Variant Server 0.00015.
gnomAD v4.1: 160 of 1,613,662 alleles (0.0099%); highest among the groups gnomAD compares: African/African-American, 0.017%; no homozygotes.

Submissions (7):

Labcorp Genetics (formerly Invitae), Labcorp
Classification: Likely benign for Autosomal recessive polycystic kidney disease. Last evaluated: 2026-01-19. Review status: criteria provided, single submitter. Criteria: Invitae Variant Classification Sherloc (09022015). Collection method: clinical testing. Allele origin: germline.

CeGaT Center for Human Genetics Tuebingen
Classification: Likely benign. Last evaluated: 2025-11-01. Review status: criteria provided, single submitter. Criteria: CeGaT Center For Human Genetics Tuebingen Variant Classification Criteria Version 2. Collection method: clinical testing. Allele origin: germline. Affected: yes. Observed: 1 variant allele.
Comment: PKHD1: BP4

Department of Pathology and Laboratory Medicine, Sinai Health System
Classification: Uncertain significance for Polycystic kidney disease 4. Last evaluated: 2024-10-24. Review status: criteria provided, single submitter. Criteria: ACMG Guidelines, 2015. Collection method: clinical testing. Allele origin: germline.

Blueprint Genetics
Classification: Uncertain significance. Last evaluated: 2024-10-06. Review status: criteria provided, single submitter. Criteria: ACMG Guidelines, 2015. Collection method: clinical testing. Allele origin: germline.

Ambry Genetics
Classification: Uncertain significance for Inborn genetic diseases. Last evaluated: 2021-07-14. Review status: criteria provided, single submitter. Criteria: Ambry Variant Classification Scheme 2023. Collection method: clinical testing. Allele origin: germline.

Illumina Laboratory Services, Illumina
Classification: Uncertain significance for Polycystic kidney disease 4. Last evaluated: 2018-01-12. Review status: criteria provided, single submitter. Criteria: ICSL Variant Classification Criteria 13 December 2019. Collection method: clinical testing. Allele origin: germline.

Eurofins Ntd Llc (ga)
Classification: Uncertain significance. Last evaluated: 2017-06-28. Review status: criteria provided, single submitter. Criteria: EGL Classification Definitions 2015. Collection method: clinical testing. Allele origin: germline. Observed: 1 variant allele, 1 heterozygote.